The following is an entry in ClinVar:

ClinVar aggregate classification (germline): Uncertain significance (1 of 4 stars; one submission).

Conditions:
Spastic paraplegia. Identifiers: MedGen C0037772, HP:0001258.

Submission:

Labcorp Genetics (formerly Invitae), Labcorp
Classification: Uncertain significance for Spastic paraplegia. Last evaluated: 2022-09-26. Review status: criteria provided, single submitter. Criteria: Invitae Variant Classification Sherloc (09022015). Collection method: clinical testing. Allele origin: germline.
Comment: This variant is not present in population databases (gnomAD no frequency). This sequence change replaces methionine, which is neutral and non-polar, with leucine, which is neutral and non-polar, at codon 123 of the ZFYVE27 protein (p.Met123Leu). This variant has not been reported in the literature in individuals affected with ZFYVE27-related conditions. Algorithms developed to predict the effect of missense changes on protein structure and function output the following: SIFT: "Tolerated"; PolyPhen-2: "Benign"; Align-GVGD: "Class C0". The leucine amino acid residue is found in multiple mammalian species, which suggests that this missense change does not adversely affect protein function. In summary, the available evidence is currently insufficient to determine the role of this variant in disease. Therefore, it has been classified as a Variant of Uncertain Significance.

NM_001385875.1(ZFYVE27):c.367A>T (p.Met123Leu)

Gene: ZFYVE27 (zinc finger FYVE-type containing 27; plus strand). Cytogenetic location: 10q24.2.
Variant type: single nucleotide variant.
Coding change: c.367A>T on transcript NM_001385875.1 (MANE Select); coding-DNA position 367, A replaced by T.
Protein change: p.Met123Leu; replaces methionine 123 with leucine.
Molecular consequence: missense variant. On other transcripts: non-coding transcript variant (15), intron variant (9).
Genome position (GRCh38, 1-based): chr10:97,744,827, A>T. VCF-style: chr10-97744827-A-T. GRCh37 (hg19) VCF-style: chr10-99504584-A-T.
Other names: c.367A>T, p.Met123Leu (NM_001002261.4, NM_001002262.4, NM_001385871.1 and 10 more transcripts); c.271A>T, p.Met91Leu (NM_001174119.2, NM_001385885.1, NM_001385887.1 and 1 more transcripts); c.73A>T, p.Met25Leu (NM_001174121.2, NM_001385915.1); c.406A>T, p.Met136Leu (NM_001385876.1); c.331A>T, p.Met111Leu (NM_001385881.1); c.163A>T, p.Met55Leu (NM_001385897.1, NM_001385898.1, NM_001385890.1 and 6 more transcripts); c.130A>T, p.Met44Leu (NM_001385899.1, NM_001385900.1, NM_001385903.1 and 4 more transcripts); c.198-3442A>T (NM_001385902.1, NM_001385908.1, NM_001385901.1 and 3 more transcripts); and 2 more; short protein forms M111L, M123L, M136L, M25L, M44L, M55L, M91L.
Identifiers: ClinVar variation 1720393 (VCV001720393.5), dbSNP rs377483460, ClinGen allele CA377996666.